The following is an entry in ClinVar:

ClinVar aggregate classification (germline): Pathogenic. Review status: criteria provided, multiple submitters, no conflicts (2 of 4 stars). 2 submissions from 2 submitters: Pathogenic (2). Last evaluated 2025-02-13.

Submissions (2):

GeneDx
Classification: Pathogenic. Last evaluated: 2025-02-13. Review status: criteria provided, single submitter. Criteria: GeneDx Variant Classification Process June 2021. Collection method: clinical testing. Allele origin: germline. Affected: yes.
Comment: Nonsense variant predicted to result in protein truncation or nonsense mediated decay in a gene for which loss of function is a known mechanism of disease; Not observed at significant frequency in large population cohorts (gnomAD); This variant is associated with the following publications: (PMID: 25525159, 33101180, 20670611, 19959795, 19783145, 7849724, 29973226)

Eurofins Ntd Llc (ga)
Classification: Pathogenic. Last evaluated: 2018-01-25. Review status: criteria provided, single submitter. Criteria: EGL Classification Definitions 2015. Collection method: clinical testing. Allele origin: germline. Observed: 1 variant allele, 1 hemizygote.

NM_004006.3(DMD):c.1062G>A (p.Trp354Ter)

Gene: DMD (dystrophin; minus strand). Cytogenetic location: Xp21.1.
Variant type: single nucleotide variant.
Coding change: c.1062G>A on transcript NM_004006.3 (MANE Select); coding-DNA position 1062, G replaced by A.
Protein change: p.Trp354Ter; replaces tryptophan 354 with a stop codon.
Molecular consequence: nonsense.
Genome position (GRCh38, 1-based): chrX:32,645,051, C>T on the plus strand (G>A on the coding strand, the complement: DMD is on the minus strand). VCF-style: chrX-32645051-C-T. GRCh37 (hg19) VCF-style: chrX-32663168-C-T.
Other names: c.1038G>A, p.Trp346Ter (NM_000109.4); c.1050G>A, p.Trp350Ter (NM_004009.3); c.693G>A, p.Trp231Ter (NM_004010.3); short protein forms W354*, W350*, W231*, W346*.
Identifiers: ClinVar variation 595844 (VCV000595844.8), dbSNP rs1569376447, ClinGen allele CA412662017.